The following is an entry in ClinVar:

ClinVar aggregate classification (germline): Uncertain significance (1 of 4 stars; one submission).

Conditions:
Chromosome 2q32-q33 deletion syndrome (GLASS). Also called: Glass syndrome; 2q33.1 deletion syndrome. Identifiers: Orphanet 251019, MedGen C2676739, MONDO:0012864, OMIM 612313.

Allele frequency attached by ClinVar (database versions not stated): ExAC 0.00001.

Submission:

Labcorp Genetics (formerly Invitae), Labcorp
Classification: Uncertain significance for Chromosome 2q32-q33 deletion syndrome. Last evaluated: 2023-01-09. Review status: criteria provided, single submitter. Criteria: Invitae Variant Classification Sherloc (09022015). Collection method: clinical testing. Allele origin: germline.
Comment: In summary, the available evidence is currently insufficient to determine the role of this variant in disease. Therefore, it has been classified as a Variant of Uncertain Significance. Advanced modeling of protein sequence and biophysical properties (such as structural, functional, and spatial information, amino acid conservation, physicochemical variation, residue mobility, and thermodynamic stability) performed at Invitae indicates that this missense variant is not expected to disrupt SATB2 protein function. This variant has not been reported in the literature in individuals affected with SATB2-related conditions. This variant is present in population databases (rs765349371, gnomAD 0.006%). This sequence change replaces glycine, which is neutral and non-polar, with arginine, which is basic and polar, at codon 674 of the SATB2 protein (p.Gly674Arg).

NM_001172509.2(SATB2):c.2020G>A (p.Gly674Arg)

Genes: SATB2 (SATB homeobox 2; minus strand), LOC126806462 (MED14-independent group 3 enhancer GRCh37_chr2:200136608-200137807; plus strand). Cytogenetic location: 2q33.1.
Variant type: single nucleotide variant.
Coding change: c.2020G>A on transcript NM_001172509.2 (MANE Select); coding-DNA position 2020, G replaced by A.
Protein change: p.Gly674Arg; replaces glycine 674 with arginine.
Molecular consequence: missense variant.
Genome position (GRCh38, 1-based): chr2:199,272,393, C>T on the plus strand (G>A on the coding strand, the complement: SATB2 is on the minus strand). VCF-style: chr2-199272393-C-T. GRCh37 (hg19) VCF-style: chr2-200137116-C-T.
Other names: c.2020G>A, p.Gly674Arg (NM_001172517.1, NM_015265.4); short protein forms G674R.
Identifiers: ClinVar variation 3007629 (VCV003007629.3), dbSNP rs765349371, ClinGen allele CA2045770.